The following is an entry in ClinVar:

ClinVar aggregate classification (germline): Uncertain significance (1 of 4 stars; one submission).

Conditions:
Perlman syndrome (PRLMNS). Identifiers: Orphanet 2849, MedGen C0796113, MONDO:0009965, OMIM 267000.

Submission:

Labcorp Genetics (formerly Invitae), Labcorp
Classification: Uncertain significance for Perlman syndrome. Last evaluated: 2019-11-11. Review status: criteria provided, single submitter. Criteria: Invitae Variant Classification Sherloc (09022015). Collection method: clinical testing. Allele origin: germline.
Comment: This variant is not present in population databases (ExAC no frequency). This sequence change replaces glutamine with glutamic acid at codon 750 of the DIS3L2 protein (p.Gln750Glu). The glutamine residue is moderately conserved and there is a small physicochemical difference between glutamine and glutamic acid. This variant has not been reported in the literature in individuals with DIS3L2-related conditions. Algorithms developed to predict the effect of missense changes on protein structure and function (SIFT, PolyPhen-2, Align-GVGD) all suggest that this variant is likely to be tolerated, but these predictions have not been confirmed by published functional studies and their clinical significance is uncertain. In summary, the available evidence is currently insufficient to determine the role of this variant in disease. Therefore, it has been classified as a Variant of Uncertain Significance.

NM_152383.5(DIS3L2):c.2248C>G (p.Gln750Glu)

Gene: DIS3L2 (DIS3 like 3'-5' exoribonuclease 2; plus strand). Cytogenetic location: 2q37.1.
Variant type: single nucleotide variant.
Coding change: c.2248C>G on transcript NM_152383.5 (MANE Select); coding-DNA position 2248, C replaced by G.
Protein change: p.Gln750Glu; replaces glutamine 750 with glutamic acid.
Molecular consequence: missense variant. On other transcripts: non-coding transcript variant (2), intron variant (1).
Genome position (GRCh38, 1-based): chr2:232,334,458, C>G. VCF-style: chr2-232334458-C-G. GRCh37 (hg19) VCF-style: chr2-233199168-C-G.
Other names: c.1582-8887C>G (NM_001257281.2); short protein forms Q750E.
Identifiers: ClinVar variation 962541 (VCV000962541.9), dbSNP rs1695875453, ClinGen allele CA350977792.